The following is an entry in ClinVar:

ClinVar aggregate classification (germline): Pathogenic/Likely pathogenic. Review status: criteria provided, multiple submitters, no conflicts (2 of 4 stars). 2 submissions from 2 submitters: Pathogenic (1); Likely pathogenic (1). Last evaluated 2024-05-21.

Conditions:
Infantile cortical hyperostosis. Also called: P1PK BLOOD GROUP SYSTEM, P(2) PHENOTYPE; Hyperostosis, Cortical, Congenital; Caffey Disease. Identifiers: Orphanet 1310, MedGen C0020497, MONDO:0007244, OMIM 114000.
Osteogenesis imperfecta type III (OI3). Also called: Progressively Deforming Osteogenesis Imperfecta; Osteogenesis imperfecta type 3; OI type 3; Osteogenesis imperfecta, progressively deforming with normal sclerae; OI type III. Identifiers: Orphanet 216812, Orphanet 666, MedGen C0268362, MONDO:0009804, OMIM 259420.
Ehlers-Danlos syndrome, arthrochalasia type. Also called: Ehlers-Danlos syndrome, arthrochalasis type; Ehlers-Danlos syndrome, arthrochalasia type, 1; ARTHROCHALASIS MULTIPLEX CONGENITA; EDS VII, MUTANT PROCOLLAGEN TYPE; EDS VIIA. Identifiers: Orphanet 1899, Orphanet 99875, Orphanet 99876, MedGen C4551623, MONDO:0007525, OMIM 130060.
Osteoporosis. Identifiers: MedGen C0029456, MONDO:0005298, OMIM 166710, HP:0000939.
Osteogenesis imperfecta, perinatal lethal (OI2). Also called: OSTEOGENESIS IMPERFECTA, TYPE II; OI, TYPE II; OSTEOGENESIS IMPERFECTA CONGENITA; VROLIK TYPE OF OSTEOGENESIS IMPERFECTA; Osteogenesis imperfecta, dominant perinatal lethal; Osteogenesis imperfecta type 2. Identifiers: Orphanet 216804, MedGen C0268358, MONDO:0008147, OMIM 166210.
Combined osteogenesis imperfecta and Ehlers-Danlos syndrome 1. Also called: OIEDS SYNDROME 1. Identifiers: MedGen C5436842, MONDO:0030854, OMIM 619115.
Osteogenesis imperfecta type I (OI1). Also called: OI, TYPE I; OSTEOGENESIS IMPERFECTA TARDA; OSTEOGENESIS IMPERFECTA WITH BLUE SCLERAE; Osteogenesis imperfecta type 1; Classic Non-deforming Osteogenesis Imperfecta with Blue Sclerae; Lobstein's Disease. Identifiers: Orphanet 216796, Orphanet 666, MedGen C0023931, MONDO:0008146, OMIM 166200. Disease mechanism: loss of function.
Osteogenesis imperfecta with normal sclerae, dominant form (OI4). Also called: OSTEOGENESIS IMPERFECTA WITH NORMAL SCLERAE; Osteogenesis imperfecta type 4; Common Variable Osteogenesis Imperfecta with Normal Sclerae; OSTEOGENESIS IMPERFECTA, TYPE IV, WITH DENTINOGENESIS IMPERFECTA; Osteogenesis Imperfecta Type IV. Identifiers: Orphanet 216820, Orphanet 666, MedGen C0268363, MONDO:0008148, OMIM 166220.

Submissions (2):

Fulgent Genetics
Classification: Likely pathogenic for Infantile cortical hyperostosis; Ehlers-Danlos syndrome, arthrochalasia type; Osteogenesis imperfecta type I; Osteogenesis imperfecta, perinatal lethal; Osteogenesis imperfecta with normal sclerae, dominant form; Osteoporosis; Osteogenesis imperfecta type III; Combined osteogenesis imperfecta and Ehlers-Danlos syndrome 1. Last evaluated: 2024-05-21. Review status: criteria provided, single submitter. Criteria: ACMG Guidelines, 2015. Collection method: clinical testing. Allele origin: germline.

Labcorp Genetics (formerly Invitae), Labcorp
Classification: Pathogenic for Osteogenesis imperfecta type I. Last evaluated: 2023-11-28. Review status: criteria provided, single submitter. Criteria: Invitae Variant Classification Sherloc (09022015). Collection method: clinical testing. Allele origin: germline.
Comment: This sequence change replaces glycine, which is neutral and non-polar, with serine, which is neutral and polar, at codon 200 of the COL1A1 protein (p.Gly200Ser). This variant is not present in population databases (gnomAD no frequency). This missense change has been observed in individual(s) with osteogenesis imperfecta (PMID: 33470886). Advanced modeling of protein sequence and biophysical properties (such as structural, functional, and spatial information, amino acid conservation, physicochemical variation, residue mobility, and thermodynamic stability) performed at Invitae indicates that this missense variant is expected to disrupt COL1A1 protein function with a positive predictive value of 95%. This variant disrupts the triple helix domain of COL1A1. Glycine residues within the Gly-Xaa-Yaa repeats of the triple helix domain are required for the structure and stability of fibrillar collagens (PMID: 7695699, 8218237, 19344236). In COL1A1, variants affecting these glycine residues are significantly enriched in individuals with disease (PMID: 9016532, 17078022) compared to the general population (ExAC). This variant disrupts the p.Gly200 amino acid residue in COL1A1. Other variant(s) that disrupt this residue have been observed in individuals with COL1A1-related conditions (PMID: 18670065, 25436829), which suggests that this may be a clinically significant amino acid residue. For these reasons, this variant has been classified as Pathogenic.

Literature cited by the submitters: PubMed 33470886 (cited by Labcorp Genetics (formerly Invitae), Labcorp); PubMed 7695699 (cited by Labcorp Genetics (formerly Invitae), Labcorp); PubMed 8218237 (cited by Labcorp Genetics (formerly Invitae), Labcorp); PubMed 19344236 (cited by Labcorp Genetics (formerly Invitae), Labcorp); PubMed 9016532 (cited by Labcorp Genetics (formerly Invitae), Labcorp); PubMed 17078022 (cited by Labcorp Genetics (formerly Invitae), Labcorp); PubMed 18670065 (cited by Labcorp Genetics (formerly Invitae), Labcorp); PubMed 25436829 (cited by Labcorp Genetics (formerly Invitae), Labcorp).

NM_000088.4(COL1A1):c.598G>A (p.Gly200Ser)

Gene: COL1A1 (collagen type I alpha 1 chain; minus strand). Cytogenetic location: 17q21.33.
Variant type: single nucleotide variant.
Coding change: c.598G>A on transcript NM_000088.4 (MANE Select); coding-DNA position 598, G replaced by A.
Protein change: p.Gly200Ser; replaces glycine 200 with serine.
Molecular consequence: missense variant.
Genome position (GRCh38, 1-based): chr17:50,197,993, C>T on the plus strand (G>A on the coding strand, the complement: COL1A1 is on the minus strand). VCF-style: chr17-50197993-C-T. GRCh37 (hg19) VCF-style: chr17-48275354-C-T.
Other names: short protein forms G200S.
Identifiers: ClinVar variation 2780397 (VCV002780397.4), dbSNP rs2509246983, ClinGen allele CA400225327.